The following is an entry in ClinVar:

NM_032043.3(BRIP1):c.3317C>T (p.Ser1106Phe)

Gene: BRIP1 (BRCA1 interacting DNA helicase 1; minus strand). Cytogenetic location: 17q23.2.
Variant type: single nucleotide variant.
Coding change: c.3317C>T on transcript NM_032043.3 (MANE Select); coding-DNA position 3317, C replaced by T.
Protein change: p.Ser1106Phe; replaces serine 1106 with phenylalanine.
Molecular consequence: missense variant.
Genome position (GRCh38, 1-based): chr17:61,683,729, G>A on the plus strand (C>T on the coding strand, the complement: BRIP1 is on the minus strand). VCF-style: chr17-61683729-G-A. GRCh37 (hg19) VCF-style: chr17-59761090-G-A.
Other names: short protein forms S1106F.
Identifiers: ClinVar variation 2564610 (VCV002564610.2), dbSNP rs2144080366, ClinGen allele CA400478991.

ClinVar aggregate classification (germline): Uncertain significance (1 of 4 stars; one submission).

Conditions:
Hereditary cancer-predisposing syndrome. Also called: Neoplastic Syndromes, Hereditary; Hereditary Cancer Syndrome; Hereditary neoplastic syndrome; Tumor predisposition. Identifiers: Orphanet 140162, MedGen C0027672, MeSH D009386, MONDO:0015356.

Submission:

Ambry Genetics
Classification: Uncertain significance for Hereditary cancer-predisposing syndrome. Last evaluated: 2023-06-03. Review status: criteria provided, single submitter. Criteria: Ambry Variant Classification Scheme 2023. Collection method: clinical testing. Allele origin: germline.
Comment: The p.S1106F variant (also known as c.3317C>T), located in coding exon 19 of the BRIP1 gene, results from a C to T substitution at nucleotide position 3317. The serine at codon 1106 is replaced by phenylalanine, an amino acid with highly dissimilar properties. This amino acid position is conserved. In addition, this alteration is predicted to be tolerated by in silico analysis. Since supporting evidence is limited at this time, the clinical significance of this alteration remains unclear.